The following is an entry in ClinVar:

ClinVar aggregate classification (germline): Uncertain significance. Review status: criteria provided, multiple submitters, no conflicts (2 of 4 stars). 2 submissions from 2 submitters: Uncertain significance (2). Last evaluated 2024-07-08.

Submissions (2):

Labcorp Genetics (formerly Invitae), Labcorp
Classification: Uncertain significance. Last evaluated: 2024-07-08. Review status: criteria provided, single submitter. Criteria: Invitae Variant Classification Sherloc (09022015). Collection method: clinical testing. Allele origin: germline.
Comment: This sequence change replaces cysteine, which is neutral and slightly polar, with glycine, which is neutral and non-polar, at codon 541 of the WFS1 protein (p.Cys541Gly). This variant is not present in population databases (gnomAD no frequency). This variant has not been reported in the literature in individuals affected with WFS1-related conditions. ClinVar contains an entry for this variant (Variation ID: 2002106). Advanced modeling of protein sequence and biophysical properties (such as structural, functional, and spatial information, amino acid conservation, physicochemical variation, residue mobility, and thermodynamic stability) has been performed at Invitae for this missense variant, however the output from this modeling did not meet the statistical confidence thresholds required to predict the impact of this variant on WFS1 protein function. In summary, the available evidence is currently insufficient to determine the role of this variant in disease. Therefore, it has been classified as a Variant of Uncertain Significance.

Blueprint Genetics
Classification: Uncertain significance. Last evaluated: 2020-03-11. Review status: criteria provided, single submitter. Criteria: ACMG Guidelines, 2015. Collection method: clinical testing. Allele origin: germline.

NM_006005.3(WFS1):c.1621T>G (p.Cys541Gly)

Gene: WFS1 (wolframin ER transmembrane glycoprotein; plus strand). Cytogenetic location: 4p16.1.
Variant type: single nucleotide variant.
Coding change: c.1621T>G on transcript NM_006005.3 (MANE Select); coding-DNA position 1621, T replaced by G.
Protein change: p.Cys541Gly; replaces cysteine 541 with glycine.
Molecular consequence: missense variant.
Genome position (GRCh38, 1-based): chr4:6,301,416, T>G. VCF-style: chr4-6301416-T-G. GRCh37 (hg19) VCF-style: chr4-6303143-T-G.
Other names: c.1621T>G, p.Cys541Gly (NM_001145853.1); short protein forms C541G.
Identifiers: ClinVar variation 2002106 (VCV002002106.5), dbSNP rs2109126208, ClinGen allele CA356176310.